The following is an entry in ClinVar:

NM_201525.4(ADGRG1):c.1369A>C (p.Ser457Arg)

Gene: ADGRG1 (adhesion G protein-coupled receptor G1; plus strand). Cytogenetic location: 16q21.
Variant type: single nucleotide variant.
Coding change: c.1369A>C on transcript NM_201525.4 (MANE Select); coding-DNA position 1369, A replaced by C.
Protein change: p.Ser457Arg; replaces serine 457 with arginine.
Molecular consequence: missense variant.
Genome position (GRCh38, 1-based): chr16:57,659,495, A>C. VCF-style: chr16-57659495-A-C. GRCh37 (hg19) VCF-style: chr16-57693407-A-C.
Other names: c.1369A>C, p.Ser457Arg (NM_001145770.3, NM_001145772.3, NM_001145774.3 and 7 more transcripts); c.1387A>C, p.Ser463Arg (NM_001145771.3, NM_001370428.1, NM_001370429.1 and 4 more transcripts); c.1384A>C, p.Ser462Arg (NM_001145773.3, NM_001370433.1, NM_001370434.1); c.877A>C, p.Ser293Arg (NM_001290142.2); c.862A>C, p.Ser288Arg (NM_001290143.2); c.844A>C, p.Ser282Arg (NM_001290144.2, NM_001370451.1, NM_001370453.1 and 1 more transcripts); c.1366A>C, p.Ser456Arg (NM_001370441.1); c.1213A>C, p.Ser405Arg (NM_001370442.1); short protein forms S282R, S288R, S293R, S405R, S456R, S457R, S462R, S463R.
Identifiers: ClinVar variation 3769306 (VCV003769306.2).

ClinVar aggregate classification (germline): Uncertain significance (1 of 4 stars; one submission).

gnomAD v4.1: 1 of 1,613,818 alleles (0.000062%); highest among the groups gnomAD compares: East Asian, 0.0022%; no homozygotes.

Submission:

Women's Health and Genetics/Laboratory Corporation of America, LabCorp
Classification: Uncertain significance. Last evaluated: 2025-01-03. Review status: criteria provided, single submitter. Criteria: LabCorp Variant Classification Summary - May 2015. Collection method: clinical testing. Allele origin: germline.
Comment: Variant summary: ADGRG1 c.1387A>C (p.Ser463Arg) results in a non-conservative amino acid change located in the c.4257T>C of the encoded protein sequence. Three of four in-silico tools predict a damaging effect of the variant on protein function. The variant allele was found at a frequency of 4e-06 in 249602 control chromosomes. The available data on variant occurrences in the general population are insufficient to allow any conclusion about variant significance. c.1387A>C has been reported in the literature in individuals affected with Polymicrogyria, Bilateral Frontoparietal (example: Wang_2024). These data do not allow any conclusion about variant significance. To our knowledge, no experimental evidence demonstrating an impact on protein function has been reported. The following publication has been ascertained in the context of this evaluation (PMID: 38634212). No submitters have cited clinical-significance assessments for this variant to ClinVar. Based on the evidence outlined above, the variant was classified as uncertain significance.

Literature cited by the submitters: PubMed 38634212.